The following is an entry in ClinVar:

NM_001105206.3(LAMA4):c.2506A>G (p.Met836Val)

Gene: LAMA4 (laminin subunit alpha 4; minus strand). Cytogenetic location: 6q21.
Variant type: single nucleotide variant.
Coding change: c.2506A>G on transcript NM_001105206.3 (MANE Select); coding-DNA position 2506, A replaced by G.
Protein change: p.Met836Val; replaces methionine 836 with valine.
Molecular consequence: missense variant.
Genome position (GRCh38, 1-based): chr6:112,142,280, T>C on the plus strand (A>G on the coding strand, the complement: LAMA4 is on the minus strand). VCF-style: chr6-112142280-T-C. GRCh37 (hg19) VCF-style: chr6-112463482-T-C.
Other names: c.2485A>G (LRG_433t2); c.2485A>G, p.Met829Val (NM_001105207.3, NM_002290.5); short protein forms M829V, M836V.
Identifiers: ClinVar variation 430292 (VCV000430292.10), dbSNP rs184539670, ClinGen allele CA144895297.
Genomic context (GRCh38, chr6:112,142,280, plus strand): 5'-TTAAGTCATCCATACTGGTTCTCGAGTGCACTTCCACAGCTGACTGGCCATCAAACATCA[T>C]GGAGACTTGGATCTGGAGTGACACAACGGTTTCATTAAAAGTGCTTTGCAGAAATGGGCA-3'
Protein context (NP_001098676.2, residues 826-846): RSVASKIQVS[Met836Val]MFDGQSAVEV

ClinVar aggregate classification (germline): Uncertain significance. Review status: criteria provided, multiple submitters, no conflicts (2 of 4 stars). 3 submissions from 3 submitters: Uncertain significance (3). Last evaluated 2024-07-09.

Conditions:
Cardiovascular phenotype. Identifiers: MedGen CN230736.
Dilated cardiomyopathy 1JJ (CMD1JJ). Identifiers: Orphanet 154, MedGen C3808935, MONDO:0014095, OMIM 615235.

Allele frequency attached by ClinVar (database versions not stated): gnomAD exomes 0.00001; 1000 Genomes Project 0.00020; gnomAD 0.00001 and 0.00002; TOPMed 0.00001; 1000 Genomes Project 30x 0.00016.
gnomAD v4.1: 5 of 1,614,126 alleles (0.00031%); highest among the groups gnomAD compares: Admixed American, 0.0017%; no homozygotes.

Submissions (3):

Labcorp Genetics (formerly Invitae), Labcorp
Classification: Uncertain significance for Dilated cardiomyopathy 1JJ. Last evaluated: 2024-07-09. Review status: criteria provided, single submitter. Criteria: Invitae Variant Classification Sherloc (09022015). Collection method: clinical testing. Allele origin: germline.
Comment: This sequence change replaces methionine, which is neutral and non-polar, with valine, which is neutral and non-polar, at codon 829 of the LAMA4 protein (p.Met829Val). This variant is present in population databases (rs184539670, gnomAD 0.003%). This variant has not been reported in the literature in individuals affected with LAMA4-related conditions. ClinVar contains an entry for this variant (Variation ID: 430292). An algorithm developed to predict the effect of missense changes on protein structure and function (PolyPhen-2) suggests that this variant is likely to be disruptive. In summary, the available evidence is currently insufficient to determine the role of this variant in disease. Therefore, it has been classified as a Variant of Uncertain Significance.

Ambry Genetics
Classification: Uncertain significance for Cardiovascular phenotype. Last evaluated: 2023-11-10. Review status: criteria provided, single submitter. Criteria: Ambry Variant Classification Scheme 2023. Collection method: clinical testing. Allele origin: germline.
Comment: The p.M829V variant (also known as c.2485A>G), located in coding exon 19 of the LAMA4 gene, results from an A to G substitution at nucleotide position 2485. The methionine at codon 829 is replaced by valine, an amino acid with highly similar properties. This amino acid position is highly conserved in available vertebrate species. In addition, the in silico prediction for this alteration is inconclusive. Since supporting evidence is limited at this time, the clinical significance of this alteration remains unclear.

GeneDx
Classification: Uncertain significance. Last evaluated: 2017-05-24. Review status: criteria provided, single submitter. Criteria: GeneDx Variant Classification (06012015). Collection method: clinical testing. Allele origin: germline. Affected: yes.
Comment: A variant of uncertain significance has been identified in the LAMA4 gene. The M829V variant has not been published as pathogenic or been reported as benign to our knowledge. This variant is not observed at a significant frequency in large population cohorts (Lek et al., 2016; 1000 Genomes Consortium et al., 2015; Exome Variant Server). The M829V variant occurs at a position that is conserved across species and in silico analysis predicts this variant is probably damaging to the protein structure/function. Nevertheless, this substitution is a conservative amino acid substitution, which is not likely to impact secondary protein structure as these residues share similar properties.